The following is an entry in ClinVar:

NM_001048174.2(MUTYH):c.305-20T>C

Gene: MUTYH (mutY DNA glycosylase; minus strand). Cytogenetic location: 1p34.1.
Variant type: single nucleotide variant.
Coding change: c.305-20T>C on transcript NM_001048174.2 (MANE Select); 20 bases into the intron before coding-DNA position 305, T replaced by C.
Molecular consequence: intron variant.
Genome position (GRCh38, 1-based): chr1:45,333,190, A>G on the plus strand (T>C on the coding strand, the complement: MUTYH is on the minus strand). VCF-style: chr1-45333190-A-G. GRCh37 (hg19) VCF-style: chr1-45798862-A-G.
Other names: c.33+95T>C (NM_001350651.2, NM_001350650.2); c.29-20T>C (NM_001293192.2, NM_001293196.2); c.305-20T>C (NM_001048171.2, NM_001048173.2, NM_001293195.2); c.350-20T>C (NM_001293190.2); c.380-20T>C (NM_012222.3); c.389-20T>C (NM_001128425.2); c.308-20T>C (NM_001048172.2); c.338-20T>C (NM_001293191.2).
Identifiers: ClinVar variation 492039 (VCV000492039.11), dbSNP rs987662524, ClinGen allele CA21839339.

ClinVar aggregate classification (germline): Likely benign. Review status: criteria provided, multiple submitters, no conflicts (2 of 4 stars). 3 submissions from 3 submitters: Likely benign (3). Last evaluated 2026-01-30.

Conditions:
Hereditary cancer-predisposing syndrome. Also called: Hereditary neoplastic syndrome; Hereditary Cancer Syndrome; Neoplastic Syndromes, Hereditary; Tumor predisposition. Identifiers: Orphanet 140162, MedGen C0027672, MeSH D009386, MONDO:0015356.
Familial adenomatous polyposis 2. Also called: MYH-associated polyposis; COLORECTAL ADENOMATOUS POLYPOSIS, AUTOSOMAL RECESSIVE; ADENOMAS, MULTIPLE COLORECTAL, AUTOSOMAL RECESSIVE; MUTYH-related attenuated familial adenomatous polyposis; Adenomas, multiple colorectal; FAP type 2. Identifiers: Orphanet 220460, Orphanet 247798, MedGen C3272841, MONDO:0012041, OMIM 608456.

Allele frequency attached by ClinVar (database versions not stated): gnomAD exomes below 0.00001 and 0.00001.
gnomAD v4.1: 16 of 1,614,196 alleles (0.00099%); highest among the groups gnomAD compares: Non-Finnish European, 0.0013%; no homozygotes.

Submissions (3):

Labcorp Genetics (formerly Invitae), Labcorp
Classification: Likely benign for Familial adenomatous polyposis 2. Last evaluated: 2026-01-30. Review status: criteria provided, single submitter. Criteria: Invitae Variant Classification Sherloc (09022015). Collection method: clinical testing. Allele origin: germline.

GeneDx
Classification: Likely benign. Last evaluated: 2017-09-28. Review status: criteria provided, single submitter. Criteria: GeneDx Variant Classification (06012015). Collection method: clinical testing. Allele origin: germline. Affected: yes.
Comment: This variant is considered likely benign or benign based on one or more of the following criteria: it is a conservative change, it occurs at a poorly conserved position in the protein, it is predicted to be benign by multiple in silico algorithms, and/or has population frequency not consistent with disease.

Color Diagnostics, LLC DBA Color Health
Classification: Likely benign for Hereditary cancer-predisposing syndrome. Last evaluated: 2017-06-02. Review status: criteria provided, single submitter. Criteria: ACMG Guidelines, 2015. Collection method: clinical testing. Allele origin: germline.